The following is an entry in ClinVar:

ClinVar aggregate classification (germline): Benign/Likely benign. Review status: criteria provided, multiple submitters, no conflicts (2 of 4 stars). 4 submissions from 4 submitters: Benign (1); Likely benign (3). Last evaluated 2026-08-13.

Conditions:
Brugada syndrome. Also called: Sudden unexpected nocturnal death syndrome; Sudden unexplained nocturnal death syndrome; Sudden Unexplained Death Syndrome; Sudden Unexplained Nocturnal Death Syndrome (SUNDS). Identifiers: Orphanet 130, MedGen C1142166, MONDO:0015263.
KCNJ8-related disorder. Also called: KCNJ8-related condition.
Cardiovascular phenotype. Identifiers: MedGen CN230736.

Allele frequency attached by ClinVar (database versions not stated): TOPMed 0.00027; 1000 Genomes Project 0.00060; 1000 Genomes Project 30x 0.00062.
gnomAD v4.1: 86 of 1,612,444 alleles (0.0053%); highest among the groups gnomAD compares: African/African-American, 0.1%; 1 homozygote.

Submissions (4):

PreventionGenetics, part of Exact Sciences
Classification: Likely benign for KCNJ8-related condition. Last evaluated: 2026-08-13. Review status: criteria provided, single submitter. Criteria: ACMG Guidelines, 2015. Collection method: clinical testing. Allele origin: germline.
Comment: This variant is classified as likely benign based on ACMG/AMP sequence variant interpretation guidelines (Richards et al. 2015 PMID: 25741868, with internal and published modifications).

Labcorp Genetics (formerly Invitae), Labcorp
Classification: Benign for Brugada syndrome. Last evaluated: 2026-01-21. Review status: criteria provided, single submitter. Criteria: Invitae Variant Classification Sherloc (09022015). Collection method: clinical testing. Allele origin: germline.

GeneDx
Classification: Likely benign. Last evaluated: 2019-01-17. Review status: criteria provided, single submitter. Criteria: GeneDx Variant Classification Process June 2021. Collection method: clinical testing. Allele origin: germline. Affected: yes.

Ambry Genetics
Classification: Likely benign for Cardiovascular phenotype. Last evaluated: 2017-03-07. Review status: criteria provided, single submitter. Criteria: Ambry Variant Classification Scheme 2023. Collection method: clinical testing. Allele origin: germline.

NM_004982.4(KCNJ8):c.471G>A (p.Thr157=)

Genes: KCNJ8 (potassium inwardly rectifying channel subfamily J member 8; minus strand), KCNJ8-AS1 (KCNJ8 antisense RNA 1; plus strand). Cytogenetic location: 12p12.1.
Variant type: single nucleotide variant.
Coding change: c.471G>A on transcript NM_004982.4 (MANE Select); coding-DNA position 471, G replaced by A.
Protein change: p.Thr157=; no amino-acid change (threonine 157 retained).
Molecular consequence: synonymous variant.
Genome position (GRCh38, 1-based): chr12:21,766,527, C>T on the plus strand (G>A on the coding strand, the complement: KCNJ8 is on the minus strand). VCF-style: chr12-21766527-C-T. GRCh37 (hg19) VCF-style: chr12-21919461-C-T.
Identifiers: ClinVar variation 511968 (VCV000511968.19), dbSNP rs143319002, ClinGen allele CA6480678.